The following is an entry in ClinVar:

ClinVar aggregate classification (germline): Uncertain significance. Review status: criteria provided, multiple submitters, no conflicts (2 of 4 stars). 3 submissions from 3 submitters: Uncertain significance (3). Last evaluated 2024-06-24.

Conditions:
Inborn genetic diseases. Identifiers: MedGen C0950123, MeSH D030342.
Neonatal diabetes mellitus with congenital hypothyroidism. Also called: NDH SYNDROME. Identifiers: Orphanet 79118, MedGen C1857775, MONDO:0012436, OMIM 610199.
Monogenic diabetes. Identifiers: Orphanet 183625, MedGen C3888631, MONDO:0015967.

Allele frequency attached by ClinVar (database versions not stated): gnomAD exomes 0.00001 and 0.00004; ExAC 0.00003; TOPMed 0.00011; gnomAD 0.00013 and 0.00015; ESP Exome Variant Server 0.00016.
gnomAD v4.1: 37 of 1,614,012 alleles (0.0023%); highest among the groups gnomAD compares: African/African-American, 0.045%; no homozygotes.

Submissions (3):

Fulgent Genetics
Classification: Uncertain significance for Neonatal diabetes mellitus with congenital hypothyroidism. Last evaluated: 2024-06-24. Review status: criteria provided, single submitter. Criteria: ACMG Guidelines, 2015. Collection method: clinical testing. Allele origin: germline.

Ambry Genetics
Classification: Uncertain significance for Inborn genetic diseases. Last evaluated: 2024-04-15. Review status: criteria provided, single submitter. Criteria: Ambry Variant Classification Scheme 2023. Collection method: clinical testing. Allele origin: germline.

Personalized Diabetes Medicine Program, University of Maryland School of Medicine
Classification: Uncertain significance for Monogenic diabetes. Last evaluated: 2019-02-08. Review status: criteria provided, single submitter. Criteria: ACMG Guidelines, 2015. Collection method: research. Allele origin: unknown. Observed: 1 variant allele, 1 heterozygote.
Comment: ACMG criteria: BP4 (REVEL 0.093 + 7 predictors)

NM_001042413.2(GLIS3):c.275C>T (p.Thr92Ile)

Gene: GLIS3 (GLIS family zinc finger 3; minus strand). Cytogenetic location: 9p24.2.
Variant type: single nucleotide variant.
Coding change: c.275C>T on transcript NM_001042413.2 (MANE Select); coding-DNA position 275, C replaced by T.
Protein change: p.Thr92Ile; replaces threonine 92 with isoleucine.
Molecular consequence: missense variant.
Genome position (GRCh38, 1-based): chr9:4,286,151, G>A on the plus strand (C>T on the coding strand, the complement: GLIS3 is on the minus strand). VCF-style: chr9-4286151-G-A. GRCh37 (hg19) VCF-style: chr9-4286151-G-A.
Other names: c.275C>T (NM_001042413.1); short protein forms T92I.
Identifiers: ClinVar variation 917455 (VCV000917455.5), dbSNP rs375931960, ClinGen allele CA4968637.
Genomic context (GRCh38, chr9:4,286,151, plus strand): 5'-AAAGTATGTGACCCTGACATGCCTCCAGCCTGGGTGACCTGGAATCGCGGCTTCCCATTG[G>A]TGAGCATTTGTCTCCTGGGGCTTAAGGCAGGCAGATGGATGCGGCTCTCAGCCACGTTGT-3'
Protein context (NP_001035878.1, residues 82-102): PALSPRRQML[Thr92Ile]NGKPRFQVTQ